The following is an entry in ClinVar:

ClinVar aggregate classification (germline): Uncertain significance (1 of 4 stars; one submission).

gnomAD v4.1: 43 of 1,610,494 alleles (0.0027%); highest among the groups gnomAD compares: African/African-American, 0.004%; no homozygotes.

Submission:

GeneDx
Classification: Uncertain significance. Last evaluated: 2025-05-13. Review status: criteria provided, single submitter. Criteria: GeneDx Variant Classification Process June 2021. Collection method: clinical testing. Allele origin: germline. Affected: yes.
Comment: Not observed at significant frequency in large population cohorts (gnomAD); In silico analysis supports that this missense variant has a deleterious effect on protein structure/function; Has not been previously published as pathogenic or benign to our knowledge

NM_000441.2(SLC26A4):c.767C>T (p.Thr256Met)

Gene: SLC26A4 (solute carrier family 26 member 4; plus strand). Cytogenetic location: 7q22.3.
Variant type: single nucleotide variant.
Coding change: c.767C>T on transcript NM_000441.2 (MANE Select); coding-DNA position 767, C replaced by T.
Protein change: p.Thr256Met; replaces threonine 256 with methionine.
Molecular consequence: missense variant.
Genome position (GRCh38, 1-based): chr7:107,683,203, C>T. VCF-style: chr7-107683203-C-T. GRCh37 (hg19) VCF-style: chr7-107323648-C-T.
Other names: short protein forms T256M.
Identifiers: ClinVar variation 4529973 (VCV004529973.1).